The following is an entry in ClinVar:

NM_002227.4(JAK1):c.2528G>A (p.Arg843Lys)

Gene: JAK1 (Janus kinase 1; minus strand). Cytogenetic location: 1p31.3.
Variant type: single nucleotide variant.
Coding change: c.2528G>A on transcript NM_002227.4 (MANE Select); coding-DNA position 2528, G replaced by A.
Protein change: p.Arg843Lys; replaces arginine 843 with lysine.
Molecular consequence: missense variant.
Genome position (GRCh38, 1-based): chr1:64,841,477, C>T on the plus strand (G>A on the coding strand, the complement: JAK1 is on the minus strand). VCF-style: chr1-64841477-C-T. GRCh37 (hg19) VCF-style: chr1-65307160-C-T.
Other names: c.2528G>A, p.Arg843Lys (NM_001320923.2, NM_001321852.2, NM_001321853.2 and 3 more transcripts); c.2525G>A, p.Arg842Lys (NM_001321857.2); short protein forms R842K, R843K.
Identifiers: ClinVar variation 4992887 (VCV004992887.1).

ClinVar aggregate classification (germline): Uncertain significance (1 of 4 stars; one submission).

Conditions:
JAK1-related disorder. Also called: JAK1-related condition.

Submission:

PreventionGenetics, part of Exact Sciences
Classification: Uncertain significance for JAK1-related condition. Last evaluated: 2026-04-22. Review status: criteria provided, single submitter. Criteria: ACMG Guidelines, 2015. Collection method: clinical testing. Allele origin: germline.
Comment: The JAK1 c.2528G>A variant is predicted to result in the amino acid substitution p.Arg843Lys. To our knowledge, this variant has not been reported in the literature or in a large population database (gnomAD), indicating this variant is rare. At this time, the clinical significance of this variant is uncertain due to the absence of conclusive functional and genetic evidence.